The following is an entry in ClinVar:

ClinVar aggregate classification (germline): Benign. Review status: criteria provided, multiple submitters, no conflicts (2 of 4 stars). 2 submissions from 2 submitters: Benign (2). Last evaluated 2018-06-14.

Allele frequency attached by ClinVar (database versions not stated): gnomAD exomes 0.00312; gnomAD 0.03357; TOPMed 0.03575; 1000 Genomes Project 0.03614; 1000 Genomes Project 30x 0.03982.
gnomAD v4.1: 8,857 of 1,394,560 alleles (0.64%); highest among the groups gnomAD compares: African/African-American, 11%; 444 homozygotes.

Submissions (2):

GeneDx
Classification: Benign. Last evaluated: 2018-06-14. Review status: criteria provided, single submitter. Criteria: GeneDx Variant Classification (06012015). Collection method: clinical testing. Allele origin: germline. Affected: yes.
Comment: This variant is considered likely benign or benign based on one or more of the following criteria: it is a conservative change, it occurs at a poorly conserved position in the protein, it is predicted to be benign by multiple in silico algorithms, and/or has population frequency not consistent with disease.

Breakthrough Genomics
Classification: Benign. Review status: criteria provided, single submitter. Criteria: ACMG Guidelines, 2015. Collection method: not provided. Allele origin: germline. Inheritance: Autosomal recessive inheritance. Affected: yes.

NM_001377.3(DYNC2H1):c.11934+60A>C

Gene: DYNC2H1 (dynein cytoplasmic 2 heavy chain 1; plus strand). Cytogenetic location: 11q22.3.
Variant type: single nucleotide variant.
Coding change: c.11934+60A>C on transcript NM_001377.3 (MANE Select); 60 bases into the intron after coding-DNA position 11934, A replaced by C.
Molecular consequence: intron variant.
Genome position (GRCh38, 1-based): chr11:103,321,297, A>C. VCF-style: chr11-103321297-A-C. GRCh37 (hg19) VCF-style: chr11-103192026-A-C.
Other names: c.11955+60A>C (NM_001080463.2).
Identifiers: ClinVar variation 675167 (VCV000675167.2), dbSNP rs12292668, ClinGen allele CA227433924.
Genomic context (GRCh38, chr11:103,321,297, plus strand): 5'-GGTAGGTAAAATGAATGATTTTCAATCTATTTCCAGGTAGATACGTGAATCATTTCTTAC[A>C]TTGTTAAATACATGTTACTTCTTTTCAAATGCACAAGTAATTATTCACAGTTTGGATTAT-3'